The following is an entry in ClinVar:

NM_006231.4(POLE):c.1181_1182del (p.Gln394fs)

Gene: POLE (DNA polymerase epsilon, catalytic subunit; minus strand). Cytogenetic location: 12q24.33.
Variant type: Deletion.
Coding change: c.1181_1182del on transcript NM_006231.4 (MANE Select); coding-DNA positions 1181 to 1182, 2 bases deleted (AG; older notation c.1181_1182delAG).
Protein change: p.Gln394fs; shifts the reading frame from glutamine 394.
Molecular consequence: frameshift variant.
Genome position (GRCh38, 1-based): chr12:132,675,442-132,675,443, CT deleted on the plus strand (AG on the coding strand, the reverse complement: POLE is on the minus strand). VCF-style (leftmost placement, unchanged base first): chr12-132675441-CCT-C. GRCh37 (hg19) VCF-style: chr12-133252027-CCT-C.
Other names: short protein forms Q394fs.
Identifiers: ClinVar variation 4141112 (VCV004141112.1).
Genomic context (GRCh38, chr12:132,675,441, plus strand): 5'-TGCTCTGTGGCCCCTACCTGAGGCAGTCCATGTGGATGCACTGGGGCGCCTTGTACTCCC[CCT>C]GGCTGTCCTTCTGGAAGCCTATCTCCTGCTGCATGCTCAGACCGTGGACTGCTGCCCGGG-3'

ClinVar aggregate classification (germline): Uncertain significance (1 of 4 stars; one submission).

Conditions:
Hereditary cancer-predisposing syndrome. Also called: Hereditary neoplastic syndrome; Neoplastic Syndromes, Hereditary; Tumor predisposition; Hereditary Cancer Syndrome. Identifiers: Orphanet 140162, MedGen C0027672, MeSH D009386, MONDO:0015356.

Submission:

Ambry Genetics
Classification: Uncertain significance for Hereditary cancer-predisposing syndrome. Last evaluated: 2025-06-23. Review status: criteria provided, single submitter. Criteria: Ambry Variant Classification Scheme 2023. Collection method: clinical testing. Allele origin: germline.
Comment: The c.1181_1182delAG variant, located in coding exon 12 of the POLE gene, results from a deletion of two nucleotides at nucleotide positions 1181 to 1182, causing a translational frameshift with a predicted alternate stop codon (p.Q394Rfs*29). This variant was reported in an individual with primary immunodeficiency (Zhu T et al. Clin Transl Immunology, 2021 Mar;10:e1266). This alteration is expected to result in loss of function by premature protein truncation or nonsense-mediated mRNA decay. Although biallelic loss of function of POLE has been associated with autosomal recessive POLE deficiency, haploinsufficiency of POLE has not been established as a mechanism of disease for POLE-related polymerase proofreading-associated polyposis (PPAP) and POLE-related CMMRD-like syndrome. Based on the supporting evidence, this variant is expected to be causative of POLE deficiency when present along with a second pathogenic variant on the other allele; however, its clinical significance for PPAP and POLE-related CMMRD-like syndrome is unclear.

Literature cited by the submitters: PubMed 33777394.